The following is an entry in ClinVar:

ClinVar aggregate classification (germline): Uncertain significance (1 of 4 stars; one submission).

Submission:

Labcorp Genetics (formerly Invitae), Labcorp
Classification: Uncertain significance. Last evaluated: 2022-08-07. Review status: criteria provided, single submitter. Criteria: Invitae Variant Classification Sherloc (09022015). Collection method: clinical testing. Allele origin: germline.
Comment: In summary, the available evidence is currently insufficient to determine the role of this variant in disease. Therefore, it has been classified as a Variant of Uncertain Significance. Algorithms developed to predict the effect of missense changes on protein structure and function (SIFT, PolyPhen-2, Align-GVGD) all suggest that this variant is likely to be tolerated. This variant has not been reported in the literature in individuals affected with NEDD4L-related conditions. This variant is not present in population databases (gnomAD no frequency). This sequence change replaces alanine, which is neutral and non-polar, with aspartic acid, which is acidic and polar, at codon 441 of the NEDD4L protein (p.Ala441Asp).

NM_001144967.3(NEDD4L):c.1382C>A (p.Ala461Asp)

Gene: NEDD4L (NEDD4 like E3 ubiquitin protein ligase; plus strand). Cytogenetic location: 18q21.31.
Variant type: single nucleotide variant.
Coding change: c.1382C>A on transcript NM_001144967.3 (MANE Select); coding-DNA position 1382, C replaced by A.
Protein change: p.Ala461Asp; replaces alanine 461 with aspartic acid.
Molecular consequence: missense variant.
Genome position (GRCh38, 1-based): chr18:58,342,910, C>A. VCF-style: chr18-58342910-C-A. GRCh37 (hg19) VCF-style: chr18-56010142-C-A.
Other names: c.1019C>A, p.Ala340Asp (NM_001144964.1, NM_001144965.2, NM_001144966.3); c.1358C>A, p.Ala453Asp (NM_001144968.2); c.1298C>A, p.Ala433Asp (NM_001144969.2); c.959C>A, p.Ala320Asp (NM_001144970.3, NM_001144971.2); c.1190C>A, p.Ala397Asp (NM_001243960.2); c.1322C>A, p.Ala441Asp (NM_015277.6); short protein forms A320D, A340D, A397D, A433D, A441D, A453D, A461D.
Identifiers: ClinVar variation 1715608 (VCV001715608.5), dbSNP rs1341466598, ClinGen allele CA402536915.